The following is an entry in ClinVar:

ClinVar aggregate classification (germline): Uncertain significance (1 of 4 stars; one submission).

Conditions:
Catecholaminergic polymorphic ventricular tachycardia (CVPT). Also called: Catecholamine-induced polymorphic ventricular tachycardia. Identifiers: Orphanet 3286, MedGen C5574922, MONDO:0017990.

gnomAD v4.1: 6 of 1,613,716 alleles (0.00037%); highest among the groups gnomAD compares: African/African-American, 0.0013%; no homozygotes.

Submission:

All of Us Research Program, National Institutes of Health
Classification: Uncertain significance for Catecholaminergic polymorphic ventricular tachycardia. Last evaluated: 2024-08-06. Review status: criteria provided, single submitter. Criteria: ACMG Guidelines, 2015. Collection method: clinical testing. Allele origin: germline. Inheritance: Autosomal dominant inheritance. Observed: 1 variant allele, 1 heterozygote.
Comment: This study involves interpretation of variants in research participants for the purpose of population health screening. Participant phenotype was not available at the time of variant classification. Additional details can be found in publication PMID: 35346344, PMCID: PMC8962531

NM_001035.3(RYR2):c.3661G>A (p.Val1221Ile)

Gene: RYR2 (ryanodine receptor 2; plus strand). Cytogenetic location: 1q43.
Variant type: single nucleotide variant.
Coding change: c.3661G>A on transcript NM_001035.3 (MANE Select); coding-DNA position 3661, G replaced by A.
Protein change: p.Val1221Ile; replaces valine 1221 with isoleucine.
Molecular consequence: missense variant.
Genome position (GRCh38, 1-based): chr1:237,589,855, G>A. VCF-style: chr1-237589855-G-A. GRCh37 (hg19) VCF-style: chr1-237753155-G-A.
Other names: short protein forms V1221I.
Identifiers: ClinVar variation 3385712 (VCV003385712.1).